The following is an entry in ClinVar:

ClinVar aggregate classification (germline): Uncertain significance (1 of 4 stars; one submission).

gnomAD v4.1: 2 of 1,601,136 alleles (0.00012%); highest among the groups gnomAD compares: African/African-American, 0.0013%; no homozygotes.

Submission:

Labcorp Genetics (formerly Invitae), Labcorp
Classification: Uncertain significance. Last evaluated: 2024-03-28. Review status: criteria provided, single submitter. Criteria: Invitae Variant Classification Sherloc (09022015). Collection method: clinical testing. Allele origin: germline.
Comment: This sequence change replaces phenylalanine, which is neutral and non-polar, with isoleucine, which is neutral and non-polar, at codon 373 of the ZNF408 protein (p.Phe373Ile). This variant is not present in population databases (gnomAD no frequency). This variant has not been reported in the literature in individuals affected with ZNF408-related conditions. An algorithm developed to predict the effect of missense changes on protein structure and function (PolyPhen-2) suggests that this variant is likely to be disruptive. In summary, the available evidence is currently insufficient to determine the role of this variant in disease. Therefore, it has been classified as a Variant of Uncertain Significance.

NM_024741.3(ZNF408):c.1117T>A (p.Phe373Ile)

Gene: ZNF408 (zinc finger protein 408; plus strand). Cytogenetic location: 11p11.2.
Variant type: single nucleotide variant.
Coding change: c.1117T>A on transcript NM_024741.3 (MANE Select); coding-DNA position 1117, T replaced by A.
Protein change: p.Phe373Ile; replaces phenylalanine 373 with isoleucine.
Molecular consequence: missense variant.
Genome position (GRCh38, 1-based): chr11:46,704,817, T>A. VCF-style: chr11-46704817-T-A. GRCh37 (hg19) VCF-style: chr11-46726367-T-A.
Other names: c.1093T>A, p.Phe365Ile (NM_001184751.2); short protein forms F365I, F373I.
Identifiers: ClinVar variation 3617688 (VCV003617688.2).